The following is an entry in ClinVar:

ClinVar aggregate classification (germline): Likely benign. Review status: criteria provided, multiple submitters, no conflicts (2 of 4 stars). 4 submissions from 4 submitters: Likely benign (4). Last evaluated 2025-10-19.

Conditions:
Long QT syndrome (LQTS). Identifiers: MedGen C0023976, MeSH D008133, MONDO:0002442. Disease mechanism: loss of function. Inheritance: Various modes of inheritance.
Cardiovascular phenotype. Identifiers: MedGen CN230736.

Allele frequency attached by ClinVar (database versions not stated): gnomAD below 0.00001 and 0.00001; TOPMed 0.00001; ExAC 0.00002; gnomAD exomes 0.00003.
gnomAD v4.1: 21 of 1,613,452 alleles (0.0013%); highest among the groups gnomAD compares: Middle Eastern, 0.033%; no homozygotes.

Submissions (4):

Labcorp Genetics (formerly Invitae), Labcorp
Classification: Likely benign for Long QT syndrome. Last evaluated: 2025-10-19. Review status: criteria provided, single submitter. Criteria: Invitae Variant Classification Sherloc (09022015). Collection method: clinical testing. Allele origin: germline.

CeGaT Center for Human Genetics Tuebingen
Classification: Likely benign. Last evaluated: 2024-09-01. Review status: criteria provided, single submitter. Criteria: CeGaT Center For Human Genetics Tuebingen Variant Classification Criteria Version 2. Collection method: clinical testing. Allele origin: germline. Affected: yes. Observed: 1 variant allele.
Comment: CACNA1C: BP4, BP7

Ambry Genetics
Classification: Likely benign for Cardiovascular phenotype. Last evaluated: 2022-03-12. Review status: criteria provided, single submitter. Criteria: Ambry Variant Classification Scheme 2023. Collection method: clinical testing. Allele origin: germline.

Breakthrough Genomics
Classification: Likely benign. Review status: criteria provided, single submitter. Criteria: ACMG Guidelines, 2015. Collection method: not provided. Allele origin: germline. Inheritance: Autosomal dominant inheritance. Affected: yes.

NM_000719.7(CACNA1C):c.5592C>T (p.Asp1864=)

Genes: CACNA1C (calcium voltage-gated channel subunit alpha1 C; plus strand), CACNA1C-AS1 (CACNA1C antisense RNA 1; minus strand). Cytogenetic location: 12p13.33.
Variant type: single nucleotide variant.
Coding change: c.5592C>T on transcript NM_000719.7 (MANE Select); coding-DNA position 5592, C replaced by T.
Protein change: p.Asp1864=; no amino-acid change (aspartic acid 1864 retained).
Molecular consequence: synonymous variant.
Genome position (GRCh38, 1-based): chr12:2,685,754, C>T. VCF-style: chr12-2685754-C-T. GRCh37 (hg19) VCF-style: chr12-2794920-C-T.
Other names: c.5736C>T, p.Asp1912= (NM_001129827.2); c.5715C>T, p.Asp1905= (NM_001129829.2); c.5697C>T, p.Asp1899= (NM_001129830.3, NM_001167624.3); c.5676C>T, p.Asp1892= (NM_001129831.2); c.5652C>T, p.Asp1884= (NM_001129832.2); c.5649C>T, p.Asp1883= (NM_001129833.2, NM_001129834.2, NM_001129835.2); c.5643C>T, p.Asp1881= (NM_001129836.2); c.5616C>T, p.Asp1872= (NM_001129837.2, NM_001129838.2); and 6 more.
Identifiers: ClinVar variation 751602 (VCV000751602.27), dbSNP rs748240245, ClinGen allele CA6389906.